The following is an entry in ClinVar:

NM_000064.4(C3):c.4655T>G (p.Val1552Gly)

Gene: C3 (complement C3; minus strand). Cytogenetic location: 19p13.3.
Variant type: single nucleotide variant.
Coding change: c.4655T>G on transcript NM_000064.4 (MANE Select); coding-DNA position 4655, T replaced by G.
Protein change: p.Val1552Gly; replaces valine 1552 with glycine.
Molecular consequence: missense variant.
Genome position (GRCh38, 1-based): chr19:6,678,431, A>C on the plus strand (T>G on the coding strand, the complement: C3 is on the minus strand). VCF-style: chr19-6678431-A-C. GRCh37 (hg19) VCF-style: chr19-6678442-A-C.
Other names: short protein forms V1552G.
Identifiers: ClinVar variation 2847241 (VCV002847241.3), dbSNP rs2512225133, ClinGen allele CA403611687.

ClinVar aggregate classification (germline): Uncertain significance (1 of 4 stars; one submission).

Submission:

Labcorp Genetics (formerly Invitae), Labcorp
Classification: Uncertain significance. Last evaluated: 2023-03-18. Review status: criteria provided, single submitter. Criteria: Invitae Variant Classification Sherloc (09022015). Collection method: clinical testing. Allele origin: germline.
Comment: This variant has not been reported in the literature in individuals affected with C3-related conditions. This variant is not present in population databases (gnomAD no frequency). This sequence change replaces valine, which is neutral and non-polar, with glycine, which is neutral and non-polar, at codon 1552 of the C3 protein (p.Val1552Gly). Advanced modeling of protein sequence and biophysical properties (such as structural, functional, and spatial information, amino acid conservation, physicochemical variation, residue mobility, and thermodynamic stability) performed at Invitae indicates that this missense variant is not expected to disrupt C3 protein function. In summary, the available evidence is currently insufficient to determine the role of this variant in disease. Therefore, it has been classified as a Variant of Uncertain Significance.